The following is an entry in ClinVar:

NM_032236.8(USP48):c.226G>A (p.Asp76Asn)

Gene: USP48 (ubiquitin specific peptidase 48; minus strand). Cytogenetic location: 1p36.12.
Variant type: single nucleotide variant.
Coding change: c.226G>A on transcript NM_032236.8 (MANE Select); coding-DNA position 226, G replaced by A.
Protein change: p.Asp76Asn; replaces aspartic acid 76 with asparagine.
Molecular consequence: missense variant.
Genome position (GRCh38, 1-based): chr1:21,757,692, C>T on the plus strand (G>A on the coding strand, the complement: USP48 is on the minus strand). VCF-style: chr1-21757692-C-T. GRCh37 (hg19) VCF-style: chr1-22084185-C-T.
Other names: c.226G>A, p.Asp76Asn (NM_001032730.3, NM_001330394.3, NM_001350164.2 and 3 more transcripts); short protein forms D76N.
Identifiers: ClinVar variation 4983704 (VCV004983704.1).
Genomic context (GRCh38, chr1:21,757,692, plus strand): 5'-TATAGCAATCGCTTAAAAAATGATGGTTTACCTTTTTTCTCCTCTCACAGTTGGGATCAT[C>T]GATGTTATGAAAACTATTTTCATCTATTTCTCCTAACCAAATATGCTCACCAATACCAAC-3'
Protein context (NP_115612.4, residues 66-86): EIDENSFHNI[Asp76Asn]DPNCERRKKN

ClinVar aggregate classification (germline): Uncertain significance (1 of 4 stars; one submission).

Conditions:
USP48-related condition.

Submission:

PreventionGenetics, part of Exact Sciences
Classification: Uncertain significance for USP48-related condition. Last evaluated: 2026-05-16. Review status: criteria provided, single submitter. Criteria: ACMG Guidelines, 2015. Collection method: clinical testing. Allele origin: germline.
Comment: The USP48 c.226G>A variant is predicted to result in the amino acid substitution p.Asp76Asn. To our knowledge, this variant has not been reported in the literature or in a large population database (gnomAD), indicating this variant is rare. At this time, the clinical significance of this variant is uncertain due to the absence of conclusive functional and genetic evidence.